The following is an entry in ClinVar:

NM_002184.4(IL6ST):c.1454A>G (p.Asn485Ser)

Gene: IL6ST (interleukin 6 cytokine family signal transducer; minus strand). Cytogenetic location: 5q11.2.
Variant type: single nucleotide variant.
Coding change: c.1454A>G on transcript NM_002184.4 (MANE Select); coding-DNA position 1454, A replaced by G.
Protein change: p.Asn485Ser; replaces asparagine 485 with serine.
Molecular consequence: missense variant. On other transcripts: 3 prime UTR variant (1), non-coding transcript variant (2), intron variant (1).
Genome position (GRCh38, 1-based): chr5:55,952,348, T>C on the plus strand (A>G on the coding strand, the complement: IL6ST is on the minus strand). VCF-style: chr5-55952348-T-C. GRCh37 (hg19) VCF-style: chr5-55248176-T-C.
Other names: c.1271A>G, p.Asn424Ser (NM_001190981.2); c.1244A>G, p.Asn415Ser (NM_001364276.2); c.587A>G, p.Asn196Ser (NM_001364277.2); c.551A>G, p.Asn184Ser (NM_001364278.2); c.458A>G, p.Asn153Ser (NM_001364279.2); c.*381A>G (NM_175767.3); c.1451-273A>G (NM_001364275.2); short protein forms N153S, N415S, N424S, N485S, N196S, N184S.
Identifiers: ClinVar variation 4275197 (VCV004275197.2).

ClinVar aggregate classification (germline): Uncertain significance. Review status: criteria provided, multiple submitters, no conflicts (2 of 4 stars). 2 submissions from 2 submitters: Uncertain significance (2). Last evaluated 2025-07-16.

gnomAD v4.1: 2 of 1,561,448 alleles (0.00013%); highest among the groups gnomAD compares: Non-Finnish European, 0.00018%; no homozygotes.

Submissions (2):

Ambry Genetics
Classification: Uncertain significance. Last evaluated: 2025-07-16. Review status: criteria provided, single submitter. Criteria: Ambry Variant Classification Scheme 2023. Collection method: clinical testing. Allele origin: germline.

Labcorp Genetics (formerly Invitae), Labcorp
Classification: Uncertain significance. Last evaluated: 2025-05-11. Review status: criteria provided, single submitter. Criteria: Invitae Variant Classification Sherloc (09022015). Collection method: clinical testing. Allele origin: germline.
Comment: This sequence change replaces asparagine, which is neutral and polar, with serine, which is neutral and polar, at codon 485 of the IL6ST protein (p.Asn485Ser). This variant is not present in population databases (gnomAD no frequency). This variant has not been reported in the literature in individuals affected with IL6ST-related conditions. An algorithm developed to predict the effect of missense changes on protein structure and function outputs the following: PolyPhen-2: "Benign". The serine amino acid residue is found in multiple mammalian species, which suggests that this missense change does not adversely affect protein function. In summary, the available evidence is currently insufficient to determine the role of this variant in disease. Therefore, it has been classified as a Variant of Uncertain Significance.